The following is an entry in ClinVar:

NM_001130438.3(SPTAN1):c.199G>A (p.Ala67Thr)

Gene: SPTAN1 (spectrin alpha, non-erythrocytic 1; plus strand). Cytogenetic location: 9q34.11.
Variant type: single nucleotide variant.
Coding change: c.199G>A on transcript NM_001130438.3 (MANE Select); coding-DNA position 199, G replaced by A.
Protein change: p.Ala67Thr; replaces alanine 67 with threonine.
Molecular consequence: missense variant.
Genome position (GRCh38, 1-based): chr9:128,566,939, G>A. VCF-style: chr9-128566939-G-A. GRCh37 (hg19) VCF-style: chr9-131329218-G-A.
Other names: c.199G>A, p.Ala67Thr (NM_001375313.1, NM_001375314.2, NM_001438441.1 and 10 more transcripts); c.235G>A, p.Ala79Thr (NM_001375318.1, NM_001438440.1, NM_001375312.2); c.199G>A (NM_001130438.2); short protein forms A67T, A79T.
Identifiers: ClinVar variation 4801833 (VCV004801833.2).

ClinVar aggregate classification (germline): Uncertain significance. Review status: criteria provided, multiple submitters, no conflicts (2 of 4 stars). 2 submissions from 2 submitters: Uncertain significance (2). Last evaluated 2026-03-19.

Conditions:
Early-infantile DEE. Also called: Early infantile epileptic encephalopathy with suppression bursts; Ohtahara syndrome; Early infantile epileptic encephalopathy. Identifiers: Orphanet 1934, MedGen C0393706, MONDO:0800491.

Submissions (2):

GeneDx
Classification: Uncertain significance. Last evaluated: 2026-03-19. Review status: criteria provided, single submitter. Criteria: GeneDx Variant Classification Process June 2021. Collection method: clinical testing. Allele origin: germline.
Comment: Not observed at significant frequency in large population cohorts (gnomAD); In silico analysis supports that this missense variant has a deleterious effect on protein structure/function; Has not been previously published as pathogenic or benign to our knowledge

Labcorp Genetics (formerly Invitae), Labcorp
Classification: Uncertain significance for Early-infantile DEE. Last evaluated: 2025-08-20. Review status: criteria provided, single submitter. Criteria: Invitae Variant Classification Sherloc (09022015). Collection method: clinical testing. Allele origin: germline.
Comment: This sequence change replaces alanine, which is neutral and non-polar, with threonine, which is neutral and polar, at codon 67 of the SPTAN1 protein (p.Ala67Thr). This variant is not present in population databases (gnomAD no frequency). This variant has not been reported in the literature in individuals affected with SPTAN1-related conditions. Invitae Evidence Modeling of protein sequence and biophysical properties (such as structural, functional, and spatial information, amino acid conservation, physicochemical variation, residue mobility, and thermodynamic stability) has been performed for this missense variant. However, the output from this modeling did not meet the statistical confidence thresholds required to predict the impact of this variant on SPTAN1 protein function. In summary, the available evidence is currently insufficient to determine the role of this variant in disease. Therefore, it has been classified as a Variant of Uncertain Significance.